The following is an entry in ClinVar:

ClinVar aggregate classification (germline): Uncertain significance (1 of 4 stars; one submission).

Conditions:
Warts, hypogammaglobulinemia, infections, and myelokathexis. Also called: WHIM syndrome. Identifiers: MedGen C0472817, MONDO:0023880.

Allele frequency attached by ClinVar (database versions not stated): gnomAD exomes below 0.00001.
gnomAD v4.1: 1 of 1,609,546 alleles (0.000062%); highest among the groups gnomAD compares: African/African-American, 0.0013%; no homozygotes.

Submission:

Labcorp Genetics (formerly Invitae), Labcorp
Classification: Uncertain significance for Warts, hypogammaglobulinemia, infections, and myelokathexis. Last evaluated: 2023-08-04. Review status: criteria provided, single submitter. Criteria: Invitae Variant Classification Sherloc (09022015). Collection method: clinical testing. Allele origin: germline.
Comment: In summary, the available evidence is currently insufficient to determine the role of this variant in disease. Therefore, it has been classified as a Variant of Uncertain Significance. An algorithm developed to predict the effect of missense changes on protein structure and function (PolyPhen-2) suggests that this variant is likely to be tolerated. ClinVar contains an entry for this variant (Variation ID: 1362599). This variant has not been reported in the literature in individuals affected with CXCR4-related conditions. This variant is not present in population databases (gnomAD no frequency). This sequence change replaces serine, which is neutral and polar, with glycine, which is neutral and non-polar, at codon 348 of the CXCR4 protein (p.Ser348Gly).

NM_003467.3(CXCR4):c.1042A>G (p.Ser348Gly)

Gene: CXCR4 (C-X-C motif chemokine receptor 4; minus strand). Cytogenetic location: 2q22.1.
Variant type: single nucleotide variant.
Coding change: c.1042A>G on transcript NM_003467.3 (MANE Select); coding-DNA position 1042, A replaced by G.
Protein change: p.Ser348Gly; replaces serine 348 with glycine.
Molecular consequence: missense variant.
Genome position (GRCh38, 1-based): chr2:136,114,886, T>C on the plus strand (A>G on the coding strand, the complement: CXCR4 is on the minus strand). VCF-style: chr2-136114886-T-C. GRCh37 (hg19) VCF-style: chr2-136872456-T-C.
Other names: c.1054A>G, p.Ser352Gly (NM_001008540.2); c.1255A>G, p.Ser419Gly (NM_001348056.2); c.1141A>G, p.Ser381Gly (NM_001348059.2); c.997A>G, p.Ser333Gly (NM_001348060.2); short protein forms S352G, S419G, S333G, S348G, S381G.
Identifiers: ClinVar variation 1362599 (VCV001362599.8), dbSNP rs1573613407, ClinGen allele CA348657280.